The following is an entry in ClinVar:

NM_001110556.2(FLNA):c.5217G>A (p.Thr1739=)

Gene: FLNA (filamin A; minus strand). Cytogenetic location: Xq28.
Variant type: single nucleotide variant.
Coding change: c.5217G>A on transcript NM_001110556.2 (MANE Select); coding-DNA position 5217, G replaced by A.
Protein change: p.Thr1739=; no amino-acid change (threonine 1739 retained).
Molecular consequence: synonymous variant.
Genome position (GRCh38, 1-based): chrX:154,354,825, C>T on the plus strand (G>A on the coding strand, the complement: FLNA is on the minus strand). VCF-style: chrX-154354825-C-T. GRCh37 (hg19) VCF-style: chrX-153583193-C-T.
Other names: c.5193G>A, p.Thr1731= (NM_001456.4).
Identifiers: ClinVar variation 11775 (VCV000011775.58), dbSNP rs387907371, ClinGen allele CA341134.

ClinVar aggregate classification (germline): Pathogenic. Review status: criteria provided, multiple submitters, no conflicts (2 of 4 stars). 8 submissions from 8 submitters: Pathogenic (6). 2 of the submissions do not count toward it. Last evaluated 2025-11-11.

Conditions:
Frontometaphyseal dysplasia (FMD1). Identifiers: Orphanet 1826, MedGen C0265293, MONDO:0015942.
Heterotopia, periventricular, X-linked dominant (PVNH1). Also called: PERIVENTRICULAR NODULAR HETEROTOPIA 4; HETEROTOPIA, PERIVENTRICULAR, 1; PERIVENTRICULAR NODULAR HETEROTOPIA 1; X-linked periventricular heterotopia. Identifiers: Orphanet 2149, Orphanet 82004, MedGen C1848213, MONDO:0010233, OMIM 300049.
Oto-palato-digital syndrome, type II (OPD2). Also called: FACIOPALATOOSSEOUS SYNDROME; OPD II SYNDROME; Otopalatodigital Syndrome Type 2 (FLNA-OPD2); Otopalatodigital Syndrome, Type II. Identifiers: Orphanet 669, Orphanet 90652, MedGen C1844696, MONDO:0010571, OMIM 304120.
Melnick-Needles syndrome (MNS). Also called: MELNICK-NEEDLES OSTEODYSPLASTY; OSTEODYSPLASTY OF MELNICK AND NEEDLES; Melnick-Needles Syndrome (FLNA-MNS). Identifiers: Orphanet 2484, MedGen C0025237, MONDO:0010650, OMIM 309350.
Familial thoracic aortic aneurysm and aortic dissection (TAAD). Also called: Thoracic aortic aneurysms and dissections. Identifiers: Orphanet 91387, MedGen C4707243, MONDO:0019625.
Terminal osseous dysplasia-pigmentary defects syndrome. Also called: ODPD; TERMINAL OSSEOUS DYSPLASIA AND PIGMENTARY DEFECTS; ODPF SYNDROME; OSSEOUS DYSPLASIA, DIGITAL, WITH FACIAL PIGMENTARY DEFECTS AND MULTIPLE FRENULA; Terminal Osseous Dysplasia (FLNA-TOD). Identifiers: Orphanet 88630, MedGen C1846129, MONDO:0010279, OMIM 300244.

Submissions (9):

GeneDx
Classification: Pathogenic. Last evaluated: 2025-11-11. Review status: criteria provided, single submitter. Criteria: GeneDx Variant Classification Process June 2021. Collection method: clinical testing. Allele origin: germline.
Comment: In silico analysis suggests this variant may impact gene splicing. In addition, RNA expression studies demonstrate that this variant activates a cryptic splice site, removing the last 16 amino acids in exon 31 (p.Val1724_Thr1739del) (PMID: 20598277); Not observed at significant frequency in large population cohorts (gnomAD); This variant is associated with the following publications: (PMID: 26061098, 25614868, 31919883, 15864382, 10982965, 9800904, 26059211, 30561107, 20598277, 38702915)

Ambry Genetics
Classification: Pathogenic for Familial thoracic aortic aneurysm and aortic dissection. Last evaluated: 2025-11-10. Review status: criteria provided, single submitter. Criteria: Ambry Variant Classification Scheme 2023. Collection method: clinical testing. Allele origin: germline.
Comment: The c.5193G>A (p.T1731T) alteration is located in exon 30 (coding exon 29) of the FLNA gene. This alteration consists of a G to A substitution at nucleotide position 5193. This nucleotide substitution does not change the amino acid at codon 1731. However, this change occurs in the last nucleotide of Exon 30 (c.4946_5193) which makes it likely to have some effect on normal mRNA splicing. for X-linked dominant terminal osseous dysplasia with pigmentary skin defects; however, its clinical significance for X-linked dominant FLNA-related periventricular nodular heterotopia and X-linked recessive FLNA-related cardiac valvular dysplasia is uncertain. This variant was not reported in population-based cohorts in the Genome Aggregation Database (gnomAD). This variant was reported as heterozygous in individual(s) with features consistent with terminal osseous dysplasia with pigmentary skin defects (Sun, 2010; Brunetti-Pierri, 2014; Connor, 2015; Bhabha, 2016; Azakli, 2019; Li, 2020; external communication) and segregated with disease in at least one family (Sun, 2010; Brunetti-Pierri, 2014). This nucleotide position is well conserved in available vertebrate species. RNA studies have demonstrated that this alteration results in abnormal splicing in the set of samples tested (Sun, 2010). Based on the available evidence, this alteration is classified as pathogenic.

Greenwood Genetic Center Diagnostic Laboratories, Greenwood Genetic Center
Classification: Pathogenic for Terminal osseous dysplasia-pigmentary defects syndrome. Last evaluated: 2025-03-10. Review status: criteria provided, single submitter. Criteria: ACMG Guidelines, 2015. Collection method: clinical testing. Allele origin: germline. Affected: yes.
Comment: PS4_Very Strong, PS3_Moderate, PM2, PP1

Labcorp Genetics (formerly Invitae), Labcorp
Classification: Pathogenic for Oto-palato-digital syndrome, type II; Heterotopia, periventricular, X-linked dominant; Frontometaphyseal dysplasia; Melnick-Needles syndrome. Last evaluated: 2023-11-10. Review status: criteria provided, single submitter. Criteria: Invitae Variant Classification Sherloc (09022015). Collection method: clinical testing. Allele origin: germline.
Comment: This sequence change affects codon 1731 of the FLNA mRNA. It is a 'silent' change, meaning that it does not change the encoded amino acid sequence of the FLNA protein. RNA analysis indicates that this variant induces altered splicing and likely results in the loss of 16 amino acid residue(s), but is expected to preserve the integrity of the reading-frame. This variant is not present in population databases (gnomAD no frequency). This variant has been observed in individuals with terminal osseous dysplasia with pigmentary skin defects within the clinical scope of X-linked otopalatodigital spectrum disorders (PMID: 20598277, 26061098, 30561107, 31919883). It has also been observed to segregate with disease in related individuals. This variant is also known as c.5217G>A. ClinVar contains an entry for this variant (Variation ID: 11775). Variants that disrupt the consensus splice site are a relatively common cause of aberrant splicing (PMID: 17576681, 9536098). Studies have shown that this variant results in the activation of a cryptic splice site in exon 30 (PMID: 20598277). For these reasons, this variant has been classified as Pathogenic.

Baylor Genetics
Classification: Pathogenic for Heterotopia, periventricular, X-linked dominant. Last evaluated: 2020-01-07. Review status: criteria provided, single submitter. Criteria: ACMG Guidelines, 2015. Collection method: clinical testing. Allele origin: de novo. Affected: yes. Study: CSER-TexasKidsCanSeq.
Comment: This variant was determined to be pathogenic according to ACMG Guidelines, 2015 [PMID:25741868]. This variant has been previously reported as disease-causing [PMID 20598277, 25614868, 26059211, 26061098, 30561107]

CeGaT Center for Human Genetics Tuebingen
Classification: Pathogenic. Last evaluated: 2017-03-01. Review status: criteria provided, single submitter. Criteria: CeGaT Center For Human Genetics Tuebingen Variant Classification Criteria Version 2. Collection method: clinical testing. Allele origin: germline. Affected: yes. Observed: 1 variant allele.

OMIM
Classification: Pathogenic for TERMINAL OSSEOUS DYSPLASIA. Last evaluated: 2010-07-09. Review status: no assertion criteria provided. Collection method: literature only. Allele origin: germline. Not counted in ClinVar's aggregate classification.

Dr. Peter K. Rogan Lab, Western University
No classification provided (evidence only). Condition: Thyroid cancer, nonmedullary, 1. Review status: no classification provided. Collection method: in vitro. Allele origin: not applicable. Functional consequence: retained intron. Not counted in ClinVar's aggregate classification.

GeneReviews
No classification provided. Condition: Terminal osseous dysplasia-pigmentary defects syndrome. Review status: no classification provided. Collection method: literature only. Allele origin: unknown. Not counted in ClinVar's aggregate classification.

Literature cited by the submitters: PubMed 20598277 (cited by 5 submitters); PubMed 25614868 (cited by Ambry Genetics and Baylor Genetics); PubMed 26059211 (cited by Ambry Genetics and Baylor Genetics); PubMed 26061098 (cited by 3 submitters); PubMed 30561107 (cited by 4 submitters); PubMed 31919883 (cited by Ambry Genetics and Labcorp Genetics (formerly Invitae), Labcorp); PubMed 17576681 (cited by Labcorp Genetics (formerly Invitae), Labcorp); PubMed 9536098 (cited by Labcorp Genetics (formerly Invitae), Labcorp); PubMed 10982965 (cited by OMIM); PubMed 17152064 (cited by OMIM); PubMed 9800904 (cited by OMIM); PubMed 15864382 (cited by OMIM); PubMed 20301567 (cited by GeneReviews); NCBI Bookshelf NBK1393 (cited by GeneReviews).